The following is an entry in ClinVar:

ClinVar aggregate classification (germline): Likely benign (1 of 4 stars; one submission).

Allele frequency attached by ClinVar (database versions not stated): TOPMed 0.00001; gnomAD 0.00003; gnomAD exomes 0.00010; 1000 Genomes Project 30x 0.00016; ExAC 0.00017; 1000 Genomes Project 0.00020.
gnomAD v4.1: 146 of 1,612,966 alleles (0.0091%); highest among the groups gnomAD compares: South Asian, 0.15%; 2 homozygotes.

Submission:

CeGaT Center for Human Genetics Tuebingen
Classification: Likely benign. Last evaluated: 2022-05-01. Review status: criteria provided, single submitter. Criteria: CeGaT Center For Human Genetics Tuebingen Variant Classification Criteria Version 2. Collection method: clinical testing. Allele origin: germline. Affected: yes. Observed: 1 variant allele.
Comment: GRM7: BP4

NM_000844.4(GRM7):c.228C>T (p.Ile76=)

Gene: GRM7 (glutamate metabotropic receptor 7; plus strand). Cytogenetic location: 3p26.1.
Variant type: single nucleotide variant.
Coding change: c.228C>T on transcript NM_000844.4 (MANE Select); coding-DNA position 228, C replaced by T.
Protein change: p.Ile76=; no amino-acid change (isoleucine 76 retained).
Molecular consequence: synonymous variant.
Genome position (GRCh38, 1-based): chr3:6,861,616, C>T. VCF-style: chr3-6861616-C-T. GRCh37 (hg19) VCF-style: chr3-6903303-C-T.
Other names: c.228C>T, p.Ile76= (NM_181874.3).
Identifiers: ClinVar variation 2653461 (VCV002653461.24), dbSNP rs536321812, ClinGen allele CA2234540.